The following is an entry in ClinVar:

NM_013251.4(TAC3):c.*2T>C

Gene: TAC3 (tachykinin precursor 3; minus strand). Cytogenetic location: 12q13.3.
Variant type: single nucleotide variant.
Coding change: c.*2T>C on transcript NM_013251.4 (MANE Select); 2 bases downstream of the stop codon, T replaced by C.
Molecular consequence: 3 prime UTR variant. On other transcripts: non-coding transcript variant (4).
Genome position (GRCh38, 1-based): chr12:57,010,288, A>G on the plus strand (T>C on the coding strand, the complement: TAC3 is on the minus strand). VCF-style: chr12-57010288-A-G. GRCh37 (hg19) VCF-style: chr12-57404072-A-G.
Other names: c.*2T>C (NM_001178054.2).
Identifiers: ClinVar variation 384464 (VCV000384464.1), dbSNP rs1057521962, ClinGen allele CA16606345.
Genomic context (GRCh38, chr12:57,010,288, plus strand): 5'-TGGGGATTGGGACAGGGAAAGAGGTCTTCCTAATGCAGTCCAGGAGTCCGGAAGTGGAGT[A>G]CTGAGGACAAAAAACAAAACAAAACAAAAAAAAACACTGAAATCACATCTTATATCCTGT-3'

ClinVar aggregate classification (germline): Likely benign (1 of 4 stars; one submission).

Allele frequency attached by ClinVar (database versions not stated): gnomAD exomes below 0.00001 and 0.00001; gnomAD 0.00001 and 0.00002; TOPMed 0.00002.

Submission:

GeneDx
Classification: Likely benign. Last evaluated: 2016-03-08. Review status: criteria provided, single submitter. Criteria: GeneDx Variant Classification (06012015). Collection method: clinical testing. Allele origin: germline. Affected: yes.
Comment: This variant is considered likely benign or benign based on one or more of the following criteria: it is a conservative change, it occurs at a poorly conserved position in the protein, it is predicted to be benign by multiple in silico algorithms, and/or has population frequency not consistent with disease.